The following is an entry in ClinVar:

NM_021098.3(CACNA1H):c.4038+6G>A

Gene: CACNA1H (calcium voltage-gated channel subunit alpha1 H; plus strand). Cytogenetic location: 16p13.3.
Variant type: single nucleotide variant.
Coding change: c.4038+6G>A on transcript NM_021098.3 (MANE Select); 6 bases into the intron after coding-DNA position 4038, G replaced by A.
Molecular consequence: intron variant.
Genome position (GRCh38, 1-based): chr16:1,210,657, G>A. VCF-style: chr16-1210657-G-A. GRCh37 (hg19) VCF-style: chr16-1260657-G-A.
Other names: c.4038+6G>A (NM_001005407.2).
Identifiers: ClinVar variation 1405828 (VCV001405828.10), dbSNP rs112068805, ClinGen allele CA7801089.
Genomic context (GRCh38, chr16:1,210,657, plus strand): 5'-CAGCGTCTCCAATTACATCTTCACGGCCATCTTCGTGGCGGAGATGATGGTGAAGGTACC[G>A]CGGGGCCCGGGGACTGCCCTTGTTCCCAGGTCCCCGTTCTGCCCTCATCCCCACCCCCAC-3'

ClinVar aggregate classification (germline): Conflicting classifications of pathogenicity. Review status: criteria provided, conflicting classifications (1 of 4 stars). 2 submissions from 2 submitters: Uncertain significance (1); Likely benign (1). Last evaluated 2024-03-30.

Conditions:
Epilepsy, childhood absence, susceptibility to, 6. Identifiers: Orphanet 64280, MedGen C2749872, MONDO:0012763, OMIM 611942.
Hyperaldosteronism, familial, type IV (HALD4). Also called: FH IV; ALDOSTERONISM, PRIMARY, AND HYPERTENSION. Identifiers: Orphanet 642671, MedGen C4310756, MONDO:0014875, OMIM 617027.
Idiopathic generalized epilepsy. Also called: EIG; Generalised epilepsy. Identifiers: MedGen C0270850, MONDO:0005579, OMIM 600669.

Allele frequency attached by ClinVar (database versions not stated): gnomAD 0.00001 and 0.00003; gnomAD exomes 0.00002; ExAC 0.00003.
gnomAD v4.1: 38 of 1,601,484 alleles (0.0024%); highest among the groups gnomAD compares: African/African-American, 0.015%; no homozygotes.

Submissions (2):

Labcorp Genetics (formerly Invitae), Labcorp
Classification: Uncertain significance for Idiopathic generalized epilepsy; Hyperaldosteronism, familial, type IV. Last evaluated: 2024-03-30. Review status: criteria provided, single submitter. Criteria: Invitae Variant Classification Sherloc (09022015). Collection method: clinical testing. Allele origin: germline.
Comment: This sequence change falls in intron 20 of the CACNA1H gene. It does not directly change the encoded amino acid sequence of the CACNA1H protein. It affects a nucleotide within the consensus splice site. The frequency data for this variant in the population databases is considered unreliable, as metrics indicate poor data quality at this position in the gnomAD database. This variant has not been reported in the literature in individuals affected with CACNA1H-related conditions. ClinVar contains an entry for this variant (Variation ID: 1405828). Variants that disrupt the consensus splice site are a relatively common cause of aberrant splicing (PMID: 17576681, 9536098). Algorithms developed to predict the effect of sequence changes on RNA splicing suggest that this variant is not likely to affect RNA splicing. In summary, the available evidence is currently insufficient to determine the role of this variant in disease. Therefore, it has been classified as a Variant of Uncertain Significance.

Fulgent Genetics
Classification: Likely benign for Epilepsy, childhood absence, susceptibility to, 6; Hyperaldosteronism, familial, type IV. Last evaluated: 2024-03-05. Review status: criteria provided, single submitter. Criteria: ACMG Guidelines, 2015. Collection method: clinical testing. Allele origin: germline.

Literature cited by the submitters: PubMed 17576681 (cited by Labcorp Genetics (formerly Invitae), Labcorp); PubMed 9536098 (cited by Labcorp Genetics (formerly Invitae), Labcorp).